The following is an entry in ClinVar:

NM_001165963.4(SCN1A):c.4002+2025T>G

Genes: SCN1A (sodium voltage-gated channel alpha subunit 1; minus strand), LOC102724058 (uncharacterized LOC102724058; plus strand). Cytogenetic location: 2q24.3.
Variant type: single nucleotide variant.
Coding change: c.4002+2025T>G on transcript NM_001165963.4 (MANE Select); 2025 bases into the intron after coding-DNA position 4002, T replaced by G.
Molecular consequence: intron variant.
Genome position (GRCh38, 1-based): chr2:166,007,694, A>C on the plus strand (T>G on the coding strand, the complement: SCN1A is on the minus strand). VCF-style: chr2-166007694-A-C. GRCh37 (hg19) VCF-style: chr2-166864204-A-C.
Other names: c.3969+2025T>G (NM_001353949.2, NM_001353950.2, NM_001353951.2 and 2 more transcripts); c.3918+2025T>G (NM_001353958.2, NM_001353957.2, NM_001165964.3); c.4002+2025T>G (NM_001202435.3, NM_001353948.2); c.3966+2025T>G (NM_001353955.2, NM_001353954.2); c.3915+2025T>G (NM_001353960.2); c.1560+2025T>G (NM_001353961.2).
Identifiers: ClinVar variation 2817793 (VCV002817793.3), dbSNP rs2468475099, ClinGen allele CA2739271484.

ClinVar aggregate classification (germline): Uncertain significance (1 of 4 stars; one submission).

Conditions:
Early-infantile DEE. Also called: Early infantile epileptic encephalopathy; Early infantile epileptic encephalopathy with suppression bursts; Ohtahara syndrome. Identifiers: Orphanet 1934, MedGen C0393706, MONDO:0800491.

Submission:

Labcorp Genetics (formerly Invitae), Labcorp
Classification: Uncertain significance for Early-infantile DEE. Last evaluated: 2024-05-15. Review status: criteria provided, single submitter. Criteria: Invitae Variant Classification Sherloc (09022015). Collection method: clinical testing. Allele origin: germline.
Comment: This sequence change falls in intron 20 of the SCN1A gene. It does not directly change the encoded amino acid sequence of the SCN1A protein. However, this sequence change falls within a region encompassing a cryptic exon in the SCN1A gene, in which variants have been shown to alter splicing (PMID: 30526861, 34107977). This variant is not present in population databases (gnomAD no frequency). This variant has not been reported in the literature in individuals affected with SCN1A-related conditions. Algorithms developed to predict the effect of sequence changes on RNA splicing suggest that this variant is not likely to affect RNA splicing. In summary, the available evidence is currently insufficient to determine the role of this variant in disease. Therefore, it has been classified as a Variant of Uncertain Significance.

Literature cited by the submitters: PubMed 30526861; PubMed 34107977.